The following is an entry in ClinVar:

NM_001018005.2(TPM1):c.45G>T (p.Lys15Asn)

Gene: TPM1 (tropomyosin 1; plus strand). Cytogenetic location: 15q22.2.
Variant type: single nucleotide variant.
Coding change: c.45G>T on transcript NM_001018005.2 (MANE Select); coding-DNA position 45, G replaced by T.
Protein change: p.Lys15Asn; replaces lysine 15 with asparagine.
Molecular consequence: missense variant.
Genome position (GRCh38, 1-based): chr15:63,042,874, G>T. VCF-style: chr15-63042874-G-T. GRCh37 (hg19) VCF-style: chr15-63335073-G-T.
Other names: c.45G>T, p.Lys15Asn (NM_000366.6, NM_001018004.2, NM_001018006.2 and 7 more transcripts); short protein forms K15N.
Identifiers: ClinVar variation 31892 (VCV000031892.12), dbSNP rs199476301, ClinGen allele CA018057.
Genomic context (GRCh38, chr15:63,042,874, plus strand): 5'-CCTCGCCGCCGCCACCATGGACGCCATCAAGAAGAAGATGCAGATGCTGAAGCTCGACAA[G>T]GAGAACGCCTTGGATCGAGCTGAGCAGGCGGAGGCCGACAAGAAGGCGGCGGAAGACAGG-3'
Protein context (NP_001018005.1, residues 5-25): KKKMQMLKLD[Lys15Asn]ENALDRAEQA

ClinVar aggregate classification (germline): Conflicting classifications of pathogenicity. Review status: criteria provided, conflicting classifications (1 of 4 stars). 3 submissions from 3 submitters: Likely pathogenic (1); Uncertain significance (1). 1 of the submissions does not count toward it. Last evaluated 2021-04-11.

Conditions:
Hypertrophic cardiomyopathy. Also called: HYPERTROPHIC MYOCARDIOPATHY. Identifiers: Orphanet 217569, MedGen C0007194, MeSH D002312, MONDO:0005045, HP:0001639.

Submissions (3):

Labcorp Genetics (formerly Invitae), Labcorp
Classification: Likely pathogenic for Hypertrophic cardiomyopathy. Last evaluated: 2021-04-11. Review status: criteria provided, single submitter. Criteria: Invitae Variant Classification Sherloc (09022015). Collection method: clinical testing. Allele origin: germline.
Comment: This variant has been observed in individual(s) with dilated cardiomyopathy (PMID: 20215591, Invitae). It has also been observed to segregate with disease in related individuals. ClinVar contains an entry for this variant (Variation ID: 31892). This variant is not present in population databases (ExAC no frequency). This sequence change replaces lysine with asparagine at codon 15 of the TPM1 protein (p.Lys15Asn). The lysine residue is moderately conserved and there is a moderate physicochemical difference between lysine and asparagine. Experimental studies have shown that this variant affects TPM1 protein function (PMID: 28732641; 26873245). In summary, the currently available evidence indicates that the variant is pathogenic, but additional data are needed to prove that conclusively. Therefore, this variant has been classified as Likely Pathogenic.

Laboratory for Molecular Medicine, Mass General Brigham Personalized Medicine
Classification: Uncertain significance. Last evaluated: 2012-08-01. Review status: criteria provided, single submitter. Criteria: LMM Criteria. Collection method: clinical testing. Allele origin: germline. Observed: 2 variant alleles.
Comment: Variant classified as Uncertain Significance - Favor Pathogenic. The Lys15Asn va riant in TPM1 has been reported in 1 individual with DCM, was absent from 492 ra ce-matched control chromosomes (372 Caucasian) and segregated with disease in 2 other affected relatives (Hershberger 2010, Rampersaud 2011). The Lys15Asn variant has not been identified in large and broad popu lations by the NHLBI Exome Sequencing Project ; this low frequency is consistent with a disease causing role but insufficient to establish this with confidence. Computational analyses (biochemical amino aci d properties, conservation, AlignGVGD, PolyPhen2, and SIFT) suggest that the Lys 15Asn variant may impact the protein, though this information is not predictive enough to determine pathogenicity. In summary, the low frequency of this variant and segregation with disease suggest that it may be pathogenic, but additional information is needed to fully assess its clinical significance.

Leiden Muscular Dystrophy (TPM1)
No classification provided. Last evaluated: 2012-04-15. Review status: no classification provided. Collection method: curation. Allele origin: germline. Not counted in ClinVar's aggregate classification.

Literature cited by the submitters: PubMed 20215591 (cited by Labcorp Genetics (formerly Invitae), Labcorp and Laboratory for Molecular Medicine, Mass General Brigham Personalized Medicine); PubMed 28732641 (cited by Labcorp Genetics (formerly Invitae), Labcorp); PubMed 26873245 (cited by Labcorp Genetics (formerly Invitae), Labcorp); PubMed 21483645 (cited by Laboratory for Molecular Medicine, Mass General Brigham Personalized Medicine).